The following is an entry in ClinVar:

NM_002691.4(POLD1):c.3062A>G (p.His1021Arg)

Gene: POLD1 (DNA polymerase delta 1, catalytic subunit; plus strand). Cytogenetic location: 19q13.33.
Variant type: single nucleotide variant.
Coding change: c.3062A>G on transcript NM_002691.4 (MANE Select); coding-DNA position 3062, A replaced by G.
Protein change: p.His1021Arg; replaces histidine 1021 with arginine.
Molecular consequence: missense variant. On other transcripts: non-coding transcript variant (1).
Genome position (GRCh38, 1-based): chr19:50,416,718, A>G. VCF-style: chr19-50416718-A-G. GRCh37 (hg19) VCF-style: chr19-50919975-A-G.
Other names: c.3140A>G, p.His1047Arg (NM_001308632.1); c.3062A>G, p.His1021Arg (NM_001256849.1); short protein forms H1021R, H1047R.
Identifiers: ClinVar variation 3658568 (VCV003658568.2).

ClinVar aggregate classification (germline): Uncertain significance (1 of 4 stars; one submission).

Conditions:
POLD1-related polyposis and colorectal cancer syndrome (CRCS10). Also called: Colorectal cancer 10; COLORECTAL CANCER, SUSCEPTIBILITY TO, ON CHROMOSOME 19q; Colorectal cancer, susceptibility to, 10. Identifiers: Orphanet 220460, MedGen C2675481, MONDO:0012953, OMIM 612591.

Submission:

Labcorp Genetics (formerly Invitae), Labcorp
Classification: Uncertain significance for POLD1-related polyposis and colorectal cancer syndrome. Last evaluated: 2024-07-03. Review status: criteria provided, single submitter. Criteria: Invitae Variant Classification Sherloc (09022015). Collection method: clinical testing. Allele origin: germline.
Comment: This sequence change replaces histidine, which is basic and polar, with arginine, which is basic and polar, at codon 1021 of the POLD1 protein (p.His1021Arg). This variant is not present in population databases (gnomAD no frequency). This variant has not been reported in the literature in individuals affected with POLD1-related conditions. Advanced modeling of protein sequence and biophysical properties (such as structural, functional, and spatial information, amino acid conservation, physicochemical variation, residue mobility, and thermodynamic stability) performed at Invitae indicates that this missense variant is not expected to disrupt POLD1 protein function with a negative predictive value of 80%. In summary, the available evidence is currently insufficient to determine the role of this variant in disease. Therefore, it has been classified as a Variant of Uncertain Significance.